The following is an entry in ClinVar:

ClinVar aggregate classification (germline): Uncertain significance (1 of 4 stars; one submission).

Conditions:
Nemaline myopathy 8 (NEM8). Also called: Nemaline myopathy 8, autosomal recessive. Identifiers: Orphanet 171430, MedGen C3809209, MONDO:0014138, OMIM 615348.

Submission:

Labcorp Genetics (formerly Invitae), Labcorp
Classification: Uncertain significance for Nemaline myopathy 8. Last evaluated: 2022-06-28. Review status: criteria provided, single submitter. Criteria: Invitae Variant Classification Sherloc (09022015). Collection method: clinical testing. Allele origin: germline.
Comment: In summary, the available evidence is currently insufficient to determine the role of this variant in disease. Therefore, it has been classified as a Variant of Uncertain Significance. Algorithms developed to predict the effect of missense changes on protein structure and function are either unavailable or do not agree on the potential impact of this missense change (SIFT: "Deleterious"; PolyPhen-2: "Probably Damaging"; Align-GVGD: "Class C0"). ClinVar contains an entry for this variant (Variation ID: 578731). This variant has not been reported in the literature in individuals affected with KLHL40-related conditions. This variant is present in population databases (rs766195312, gnomAD 0.04%), including at least one homozygous and/or hemizygous individual. This sequence change replaces leucine, which is neutral and non-polar, with isoleucine, which is neutral and non-polar, at codon 502 of the KLHL40 protein (p.Leu502Ile).

NM_152393.4(KLHL40):c.1504C>A (p.Leu502Ile)

Gene: KLHL40 (kelch like family member 40; plus strand). Cytogenetic location: 3p22.1.
Variant type: single nucleotide variant.
Coding change: c.1504C>A on transcript NM_152393.4 (MANE Select); coding-DNA position 1504, C replaced by A.
Protein change: p.Leu502Ile; replaces leucine 502 with isoleucine.
Molecular consequence: missense variant.
Genome position (GRCh38, 1-based): chr3:42,688,951, C>A. VCF-style: chr3-42688951-C-A. GRCh37 (hg19) VCF-style: chr3-42730443-C-A.
Other names: short protein forms L502I.
Identifiers: ClinVar variation 578731 (VCV000578731.5), dbSNP rs766195312, ClinGen allele CA2336995.